The following is an entry in ClinVar:

NM_022552.5(DNMT3A):c.645G>C (p.Glu215Asp)

Gene: DNMT3A (DNA methyltransferase 3 alpha; minus strand). Cytogenetic location: 2p23.3.
Variant type: single nucleotide variant.
Coding change: c.645G>C on transcript NM_022552.5 (MANE Select); coding-DNA position 645, G replaced by C.
Protein change: p.Glu215Asp; replaces glutamic acid 215 with aspartic acid.
Molecular consequence: missense variant. On other transcripts: 5 prime UTR variant (1), non-coding transcript variant (1).
Genome position (GRCh38, 1-based): chr2:25,248,247, C>G on the plus strand (G>C on the coding strand, the complement: DNMT3A is on the minus strand). VCF-style: chr2-25248247-C-G. GRCh37 (hg19) VCF-style: chr2-25471116-C-G.
Other names: c.189G>C, p.Glu63Asp (NM_001320893.1); c.-25G>C (NM_001375819.1); c.78G>C, p.Glu26Asp (NM_153759.3); c.645G>C, p.Glu215Asp (NM_175629.2); short protein forms E215D, E26D, E63D.
Identifiers: ClinVar variation 133985 (VCV000133985.3), dbSNP rs587778238, ClinGen allele CA158327.

ClinVar aggregate classification (germline): Uncertain significance. Review status: criteria provided, single submitter (1 of 4 stars). 2 submissions from 2 submitters: Uncertain significance (1). 1 of the submissions does not count toward it. Last evaluated 2025-11-02.

Conditions:
Tatton-Brown-Rahman overgrowth syndrome. Also called: Tall stature-intellectual disability-facial dysmorphism syndrome; Tatton-Brown-Rahman syndrome. Identifiers: Orphanet 404443, MedGen C4014545, MONDO:0014382, OMIM 615879.

Submissions (2):

Labcorp Genetics (formerly Invitae), Labcorp
Classification: Uncertain significance for Tatton-Brown-Rahman overgrowth syndrome. Last evaluated: 2025-11-02. Review status: criteria provided, single submitter. Criteria: Invitae Variant Classification Sherloc (09022015). Collection method: clinical testing. Allele origin: germline.
Comment: This sequence change replaces glutamic acid, which is acidic and polar, with aspartic acid, which is acidic and polar, at codon 215 of the DNMT3A protein (p.Glu215Asp). This variant is not present in population databases (gnomAD no frequency). This variant has not been reported in the literature in individuals affected with DNMT3A-related conditions. ClinVar contains an entry for this variant (Variation ID: 133985). Invitae Evidence Modeling of protein sequence and biophysical properties (such as structural, functional, and spatial information, amino acid conservation, physicochemical variation, residue mobility, and thermodynamic stability) indicates that this missense variant is not expected to disrupt DNMT3A protein function with a negative predictive value of 95%. In summary, the available evidence is currently insufficient to determine the role of this variant in disease. Therefore, it has been classified as a Variant of Uncertain Significance.

ITMI
No classification provided. Condition: AllHighlyPenetrant. Last evaluated: 2013-09-19. Review status: no classification provided. Collection method: reference population. Allele origin: germline. Not counted in ClinVar's aggregate classification.
Comment: Please see associated publication for description of ethnicities

Literature cited by the submitters: PubMed 24728327 (cited by ITMI).